The following is an entry in ClinVar:

NM_001080779.2(MYO1C):c.2527-62C>T

Gene: MYO1C (myosin IC; minus strand). Cytogenetic location: 17p13.3.
Variant type: single nucleotide variant.
Coding change: c.2527-62C>T on transcript NM_001080779.2 (MANE Select); 62 bases into the intron before coding-DNA position 2527, C replaced by T.
Molecular consequence: intron variant.
Genome position (GRCh38, 1-based): chr17:1,469,676, G>A on the plus strand (C>T on the coding strand, the complement: MYO1C is on the minus strand). VCF-style: chr17-1469676-G-A. GRCh37 (hg19) VCF-style: chr17-1372970-G-A.
Other names: c.2422-62C>T (NM_033375.5); c.2470-62C>T (NM_001080950.2); c.2455-62C>T (NM_001363855.1).
Identifiers: ClinVar variation 682652 (VCV000682652.2), dbSNP rs7502466, ClinGen allele CA15902339.

ClinVar aggregate classification (germline): Benign. Review status: criteria provided, multiple submitters, no conflicts (2 of 4 stars). 2 submissions from 2 submitters: Benign (2). Last evaluated 2018-06-16.

Allele frequency attached by ClinVar (database versions not stated): 1000 Genomes Project 0.07288; TOPMed 0.07697; gnomAD 0.07779 and 0.07794.
gnomAD v4.1: 125,011 of 1,323,152 alleles (9.4%); highest among the groups gnomAD compares: East Asian, 13%; 6,517 homozygotes.

Submissions (2):

GeneDx
Classification: Benign. Last evaluated: 2018-06-16. Review status: criteria provided, single submitter. Criteria: GeneDx Variant Classification (06012015). Collection method: clinical testing. Allele origin: germline. Affected: yes.
Comment: This variant is considered likely benign or benign based on one or more of the following criteria: it is a conservative change, it occurs at a poorly conserved position in the protein, it is predicted to be benign by multiple in silico algorithms, and/or has population frequency not consistent with disease.

Breakthrough Genomics
Classification: Benign. Review status: criteria provided, single submitter. Criteria: ACMG Guidelines, 2015. Collection method: not provided. Allele origin: germline. Inheritance: Unknown mechanism. Affected: yes.